The following is an entry in ClinVar:

NM_001145860.2(POP1):c.2474A>C (p.Asp825Ala)

Gene: POP1 (POP1 ribonuclease P/MRP subunit; plus strand). Cytogenetic location: 8q22.2.
Variant type: single nucleotide variant.
Coding change: c.2474A>C on transcript NM_001145860.2 (MANE Select); coding-DNA position 2474, A replaced by C.
Protein change: p.Asp825Ala; replaces aspartic acid 825 with alanine.
Molecular consequence: missense variant.
Genome position (GRCh38, 1-based): chr8:98,157,670, A>C. VCF-style: chr8-98157670-A-C. GRCh37 (hg19) VCF-style: chr8-99169898-A-C.
Other names: c.2474A>C, p.Asp825Ala (NM_001145861.2, NM_015029.3); short protein forms D825A.
Identifiers: ClinVar variation 2076711 (VCV002076711.4), dbSNP rs2488102481, ClinGen allele CA371775484.
Genomic context (GRCh38, chr8:98,157,670, plus strand): 5'-CATGTAGGAGTAGAAAATTACTGAAGCAACTGTCAGCCTGGTGTGGGCCCAGTTCTGAGG[A>C]TAGTCGGGGAGGCCGGCGAGCTCCCGGCAGAGGCCAGCAAGGATTGACCAGAGAGGCTTG-3'
Protein context (NP_001139332.1, residues 815-835): LSAWCGPSSE[Asp825Ala]SRGGRRAPGR

ClinVar aggregate classification (germline): Uncertain significance (1 of 4 stars; one submission).

Submission:

Labcorp Genetics (formerly Invitae), Labcorp
Classification: Uncertain significance. Last evaluated: 2022-08-16. Review status: criteria provided, single submitter. Criteria: Invitae Variant Classification Sherloc (09022015). Collection method: clinical testing. Allele origin: germline.
Comment: This sequence change replaces aspartic acid, which is acidic and polar, with alanine, which is neutral and non-polar, at codon 825 of the POP1 protein (p.Asp825Ala). This variant is not present in population databases (gnomAD no frequency). This variant has not been reported in the literature in individuals affected with POP1-related conditions. Algorithms developed to predict the effect of missense changes on protein structure and function output the following: SIFT: "Tolerated"; PolyPhen-2: "Benign"; Align-GVGD: "Class C0". The alanine amino acid residue is found in multiple mammalian species, which suggests that this missense change does not adversely affect protein function. In summary, the available evidence is currently insufficient to determine the role of this variant in disease. Therefore, it has been classified as a Variant of Uncertain Significance.